The following is an entry in ClinVar:

ClinVar aggregate classification (germline): Likely pathogenic (1 of 4 stars; one submission).

Conditions:
Nonsyndromic genetic hearing loss. Also called: Nonsyndromic hearing loss and deafness; Non-syndromic genetic deafness; Nonsyndromic genetic deafness. Identifiers: Orphanet 87884, MedGen C5680182, MONDO:0019497.

Submission:

Laboratory for Molecular Medicine, Mass General Brigham Personalized Medicine
Classification: Likely pathogenic for Nonsyndromic genetic hearing loss. Last evaluated: 2023-02-02. Review status: criteria provided, single submitter. Criteria: ACMG Guidelines, 2015. Collection method: clinical testing. Allele origin: germline.
Comment: The p.Ser5IlefsX4 variant in TECTA has not been reported in individuals with nonsyndromic hearing loss and was absent from large population databases. This variant is predicted to cause a frameshift, which alters the protein’s amino acid sequence beginning at position 5 and leads to a premature termination codon 4 amino acids downstream. Loss of function variants in the TECTA is an established disease mechanism in autosomal recessive nonsyndromic hearing loss. In summary, although additional studies are required to fully establish its clinical significance, this variant meets criteria to be classified as likely pathogenic for autosomal recessive nonsyndromic hearing loss. ACMG/AMP criteria applied: PVS1, PM2_Supporting.

NM_005422.4(TECTA):c.12dup (p.Ser5fs)

Genes: TECTA (tectorin alpha; plus strand), TBCEL-TECTA (TBCEL-TECTA readthrough; plus strand). Cytogenetic location: 11q23.3.
Variant type: Duplication.
Coding change: c.12dup on transcript NM_005422.4 (MANE Select); coding-DNA position 12, one base duplicated (A; older notation c.12dupA).
Protein change: p.Ser5fs; shifts the reading frame from serine 5.
Molecular consequence: frameshift variant.
Genome position (GRCh38, 1-based): chr11:121,102,677, A duplicated. VCF-style (leftmost placement, unchanged base first): chr11-121102676-C-CA. GRCh37 (hg19) VCF-style: chr11-120973385-C-CA.
Other names: c.969dup, p.Ser324fs (NM_001378761.1); short protein forms S324fs, S5fs.
Identifiers: ClinVar variation 3075938 (VCV003075938.1), dbSNP rs2496881864, ClinGen allele CA2825001998.